The following is an entry in ClinVar:

NM_003664.5(AP3B1):c.2613C>T (p.His871=)

Gene: AP3B1 (adaptor related protein complex 3 subunit beta 1; minus strand). Cytogenetic location: 5q14.1.
Variant type: single nucleotide variant.
Coding change: c.2613C>T on transcript NM_003664.5 (MANE Select); coding-DNA position 2613, C replaced by T.
Protein change: p.His871=; no amino-acid change (histidine 871 retained).
Molecular consequence: synonymous variant.
Genome position (GRCh38, 1-based): chr5:78,039,239, G>A on the plus strand (C>T on the coding strand, the complement: AP3B1 is on the minus strand). VCF-style: chr5-78039239-G-A. GRCh37 (hg19) VCF-style: chr5-77335063-G-A.
Other names: p.His871=; c.2466C>T, p.His822= (NM_001271769.2).
Identifiers: ClinVar variation 210188 (VCV000210188.64), dbSNP rs144420604, ClinGen allele CA207924.

ClinVar aggregate classification (germline): Benign/Likely benign. Review status: criteria provided, multiple submitters, no conflicts (2 of 4 stars). 11 submissions from 11 submitters: Benign (4); Likely benign (4). 3 of the submissions do not count toward it. Last evaluated 2026-02-02.

Conditions:
Autoinflammatory syndrome. Identifiers: Orphanet 93665, MedGen C3890737, MONDO:0019751.
AP3B1-related disorder. Also called: AP3B1-related condition.
Hermansky-Pudlak syndrome 2 (HPS2). Also called: Platelet defects and oculocutaneous albinism. Identifiers: Orphanet 183678, Orphanet 79430, MedGen C1842362, MONDO:0011997, OMIM 608233.

Allele frequency attached by ClinVar (database versions not stated): 1000 Genomes Project 30x 0.00250; 1000 Genomes Project 0.00260; TOPMed 0.00273; gnomAD 0.00295 and 0.00312; ESP Exome Variant Server 0.00361; ExAC 0.00399.
gnomAD v4.1: 7,296 of 1,614,106 alleles (0.45%); highest among the groups gnomAD compares: South Asian, 0.86%; 28 homozygotes.

Submissions (11):

Labcorp Genetics (formerly Invitae), Labcorp
Classification: Benign for Hermansky-Pudlak syndrome 2. Last evaluated: 2026-02-02. Review status: criteria provided, single submitter. Criteria: Invitae Variant Classification Sherloc (09022015). Collection method: clinical testing. Allele origin: germline.

PreventionGenetics, part of Exact Sciences
Classification: Benign for AP3B1-related condition. Last evaluated: 2025-06-16. Review status: criteria provided, single submitter. Criteria: ACMG Guidelines, 2015. Collection method: clinical testing. Allele origin: germline.
Comment: This variant is classified as benign based on ACMG/AMP sequence variant interpretation guidelines (Richards et al. 2015 PMID: 25741868, with internal and published modifications).

Blueprint Genetics
Classification: Likely benign. Last evaluated: 2024-11-22. Review status: criteria provided, single submitter. Criteria: ACMG Guidelines, 2015. Collection method: clinical testing. Allele origin: germline.

CeGaT Center for Human Genetics Tuebingen
Classification: Likely benign. Last evaluated: 2024-11-01. Review status: criteria provided, single submitter. Criteria: CeGaT Center For Human Genetics Tuebingen Variant Classification Criteria Version 2. Collection method: clinical testing. Allele origin: germline. Affected: yes. Observed: 5 variant alleles.
Comment: AP3B1: BP4, BP7, BS2

Mayo Clinic Laboratories, Mayo Clinic
Classification: Benign. Last evaluated: 2024-09-23. Review status: criteria provided, single submitter. Criteria: ACMG Guidelines, 2015. Collection method: clinical testing. Allele origin: germline. Observed: 15 variant alleles.
Comment: BS1, BS2, BP4, BP7

Genome Diagnostics Laboratory, The Hospital for Sick Children
Classification: Likely benign for Autoinflammatory syndrome. Last evaluated: 2020-07-01. Review status: criteria provided, single submitter. Criteria: ACMG Guidelines, 2015. Collection method: clinical testing. Allele origin: germline. Affected: yes.

Genetic Services Laboratory, University of Chicago
Classification: Likely benign. Last evaluated: 2015-06-25. Review status: criteria provided, single submitter. Criteria: ACMG Guidelines, 2015. Collection method: clinical testing. Allele origin: germline.

Laboratory for Molecular Medicine, Mass General Brigham Personalized Medicine
Classification: Benign. Last evaluated: 2013-02-21. Review status: criteria provided, single submitter. Criteria: LMM Criteria. Collection method: clinical testing. Allele origin: germline. Observed: 2 variant alleles.
Comment: His871His in exon 23 of AP3B1: This variant is not expected to have clinical sig nificance because it does not alter an amino acid residue and is not located wit hin the splice consensus sequence. It has been identified in 0.5% (47/8600) of E uropean American chromosomes from a broad population by the NHLBI Exome Sequenci ng Project (dbSNP rs144420604).

Clinical Genetics DNA and cytogenetics Diagnostics Lab, Erasmus MC, Erasmus Medical Center
Classification: Likely benign. Review status: no assertion criteria provided. Collection method: clinical testing. Allele origin: germline. Affected: yes. Study: VKGL Data-share Consensus. Not counted in ClinVar's aggregate classification.

Clinical Genetics, Academic Medical Center
Classification: Benign. Review status: no assertion criteria provided. Collection method: clinical testing. Allele origin: germline. Affected: yes. Study: VKGL Data-share Consensus. Not counted in ClinVar's aggregate classification.

Genome Diagnostics Laboratory, University Medical Center Utrecht
Classification: Likely benign. Review status: no assertion criteria provided. Collection method: clinical testing. Allele origin: germline. Affected: yes. Study: VKGL Data-share Consensus. Not counted in ClinVar's aggregate classification.